The following is an entry in ClinVar:

ClinVar aggregate classification (germline): Benign/Likely benign. Review status: criteria provided, multiple submitters, no conflicts (2 of 4 stars). 9 submissions from 9 submitters: Benign (2); Likely benign (5). 2 of the submissions do not count toward it. Last evaluated 2026-01-27.

Conditions:
Familial thoracic aortic aneurysm and aortic dissection (TAAD). Also called: Thoracic aortic aneurysms and dissections. Identifiers: Orphanet 91387, MedGen C4707243, MONDO:0019625.
Ehlers-Danlos syndrome, kyphoscoliotic type 1 (EDSKSCL1). Also called: EHLERS-DANLOS SYNDROME, TYPE VIA; EHLERS-DANLOS SYNDROME, OCULAR-SCOLIOTIC TYPE; Ehlers-Danlos syndrome, hydroxylysine-deficient; PLOD1-Related Kyphoscoliotic Ehlers-Danlos Syndrome. Identifiers: Orphanet 1900, MedGen C0268342, MONDO:0016002, OMIM 225400. Disease mechanism: loss of function.

Allele frequency attached by ClinVar (database versions not stated): gnomAD exomes 0.00020 and 0.00048; ExAC 0.00094; gnomAD 0.00164 and 0.00170; TOPMed 0.00203; 1000 Genomes Project 0.00220; ESP Exome Variant Server 0.00231; 1000 Genomes Project 30x 0.00265.

Submissions (9):

Labcorp Genetics (formerly Invitae), Labcorp
Classification: Benign for Ehlers-Danlos syndrome, kyphoscoliotic type 1. Last evaluated: 2026-01-27. Review status: criteria provided, single submitter. Criteria: Invitae Variant Classification Sherloc (09022015). Collection method: clinical testing. Allele origin: germline.

Mayo Clinic Laboratories, Mayo Clinic
Classification: Benign. Last evaluated: 2024-11-21. Review status: criteria provided, single submitter. Criteria: ACMG Guidelines, 2015. Collection method: clinical testing. Allele origin: germline. Observed: 3 variant alleles.
Comment: BS1, BS2, BP4, BP7

Blueprint Genetics
Classification: Likely benign. Last evaluated: 2024-10-16. Review status: criteria provided, single submitter. Criteria: ACMG Guidelines, 2015. Collection method: clinical testing. Allele origin: germline.

Women's Health and Genetics/Laboratory Corporation of America, LabCorp
Classification: Likely benign. Last evaluated: 2023-07-21. Review status: criteria provided, single submitter. Criteria: LabCorp Variant Classification Summary - May 2015. Collection method: clinical testing. Allele origin: germline.

GeneDx
Classification: Likely benign. Last evaluated: 2021-04-26. Review status: criteria provided, single submitter. Criteria: GeneDx Variant Classification Process June 2021. Collection method: clinical testing. Allele origin: germline. Affected: yes.

Ambry Genetics
Classification: Likely benign for Familial thoracic aortic aneurysm and aortic dissection. Last evaluated: 2016-03-09. Review status: criteria provided, single submitter. Criteria: Ambry Variant Classification Scheme 2023. Collection method: clinical testing. Allele origin: germline.

Breakthrough Genomics
Classification: Likely benign. Review status: criteria provided, single submitter. Criteria: ACMG Guidelines, 2015. Collection method: not provided. Allele origin: germline. Inheritance: Autosomal recessive inheritance. Affected: yes.

Clinical Genetics DNA and cytogenetics Diagnostics Lab, Erasmus MC, Erasmus Medical Center
Classification: Likely benign. Review status: no assertion criteria provided. Collection method: clinical testing. Allele origin: germline. Affected: yes. Study: VKGL Data-share Consensus. Not counted in ClinVar's aggregate classification.

Genome Diagnostics Laboratory, Amsterdam University Medical Center
Classification: Likely benign. Review status: no assertion criteria provided. Collection method: clinical testing. Allele origin: germline. Affected: yes. Study: VKGL Data-share Consensus. Not counted in ClinVar's aggregate classification.

NM_000302.4(PLOD1):c.1164C>T (p.Thr388=)

Gene: PLOD1 (procollagen-lysine,2-oxoglutarate 5-dioxygenase 1; plus strand). Cytogenetic location: 1p36.22.
Variant type: single nucleotide variant.
Coding change: c.1164C>T on transcript NM_000302.4 (MANE Select); coding-DNA position 1164, C replaced by T.
Protein change: p.Thr388=; no amino-acid change (threonine 388 retained).
Molecular consequence: synonymous variant.
Genome position (GRCh38, 1-based): chr1:11,963,598, C>T. VCF-style: chr1-11963598-C-T. GRCh37 (hg19) VCF-style: chr1-12023655-C-T.
Other names: p.Thr388=; c.1305C>T, p.Thr435= (NM_001316320.2).
Identifiers: ClinVar variation 390574 (VCV000390574.25), dbSNP rs74949176, ClinGen allele CA598303.